The following is an entry in ClinVar:

NM_007194.4(CHEK2):c.492T>G (p.Ser164Arg)

Gene: CHEK2 (checkpoint kinase 2; minus strand). Cytogenetic location: 22q12.1.
Variant type: single nucleotide variant.
Coding change: c.492T>G on transcript NM_007194.4 (MANE Select); coding-DNA position 492, T replaced by G.
Protein change: p.Ser164Arg; replaces serine 164 with arginine.
Molecular consequence: missense variant. On other transcripts: 5 prime UTR variant (2), intron variant (1).
Genome position (GRCh38, 1-based): chr22:28,725,077, A>C on the plus strand (T>G on the coding strand, the complement: CHEK2 is on the minus strand). VCF-style: chr22-28725077-A-C. GRCh37 (hg19) VCF-style: chr22-29121065-A-C.
Other names: c.621T>G, p.Ser207Arg (NM_001005735.3, NM_001438294.1); c.-286T>G (NM_001257387.3); c.-172T>G (NM_001437942.1); c.585T>G, p.Ser195Arg (NM_001438293.1, NM_001438295.1); c.492T>G, p.Ser164Arg (NM_145862.3); c.445-154T>G (NM_001349956.3); short protein forms S207R, S164R, S195R.
Identifiers: ClinVar variation 825301 (VCV000825301.13), dbSNP rs1601823792, ClinGen allele CA411107513.
Genomic context (GRCh38, chr22:28,725,077, plus strand): 5'-ATTCAAAGGACGGCGTTTTCCTTTCCCTACAAGCTCTGTATTTACAAAGGTTCCATTGCC[A>C]CTGTGATCTTCTATGTATGCAATGTAAGAGTTTTTAGGACCCACTTCCTAAAATAGAGAA-3'
Protein context (NP_009125.1, residues 154-174): NSYIAYIEDH[Ser164Arg]GNGTFVNTEL

ClinVar aggregate classification (germline): Uncertain significance. Review status: criteria provided, multiple submitters, no conflicts (2 of 4 stars). 2 submissions from 2 submitters: Uncertain significance (2). Last evaluated 2021-01-25.

Conditions:
Hereditary cancer-predisposing syndrome. Also called: Neoplastic Syndromes, Hereditary; Tumor predisposition; Hereditary neoplastic syndrome; Hereditary Cancer Syndrome. Identifiers: Orphanet 140162, MedGen C0027672, MeSH D009386, MONDO:0015356.
Familial cancer of breast. Also called: BREAST CANCER, FAMILIAL; Hereditary breast cancer; hereditary breast carcinoma. Identifiers: Orphanet 227535, MedGen C0346153, MONDO:0016419, OMIM 114480. Disease mechanism: loss of function.

Submissions (2):

Labcorp Genetics (formerly Invitae), Labcorp
Classification: Uncertain significance for Familial cancer of breast. Last evaluated: 2021-01-25. Review status: criteria provided, single submitter. Criteria: Invitae Variant Classification Sherloc (09022015). Collection method: clinical testing. Allele origin: germline.
Comment: Algorithms developed to predict the effect of missense changes on protein structure and function (SIFT, PolyPhen-2, Align-GVGD) all suggest that this variant is likely to be disruptive, but these predictions have not been confirmed by published functional studies and their clinical significance is uncertain. In summary, the available evidence is currently insufficient to determine the role of this variant in disease. Therefore, it has been classified as a Variant of Uncertain Significance. This variant has not been reported in the literature in individuals with CHEK2-related conditions. ClinVar contains an entry for this variant (Variation ID: 825301). This sequence change replaces serine with arginine at codon 164 of the CHEK2 protein (p.Ser164Arg). The serine residue is highly conserved and there is a moderate physicochemical difference between serine and arginine. This variant is not present in population databases (ExAC no frequency).

Ambry Genetics
Classification: Uncertain significance for Hereditary cancer-predisposing syndrome. Last evaluated: 2019-09-04. Review status: criteria provided, single submitter. Criteria: Ambry Variant Classification Scheme 2023. Collection method: clinical testing. Allele origin: germline.
Comment: The p.S164R variant (also known as c.492T>G), located in coding exon 3 of the CHEK2 gene, results from a T to G substitution at nucleotide position 492. The serine at codon 164 is replaced by arginine, an amino acid with dissimilar properties. This amino acid position is highly conserved in available vertebrate species. In addition, this alteration is predicted to be deleterious by in silico analysis. Since supporting evidence is limited at this time, the clinical significance of this alteration remains unclear.